The following is an entry in ClinVar:

NM_022765.4(MICAL1):c.2137A>G (p.Asn713Asp)

Gene: MICAL1 (microtubule associated monooxygenase, calponin and LIM domain containing 1; minus strand). Cytogenetic location: 6q21.
Variant type: single nucleotide variant.
Coding change: c.2137A>G on transcript NM_022765.4 (MANE Select); coding-DNA position 2137, A replaced by G.
Protein change: p.Asn713Asp; replaces asparagine 713 with aspartic acid.
Molecular consequence: missense variant.
Genome position (GRCh38, 1-based): chr6:109,447,163, T>C on the plus strand (A>G on the coding strand, the complement: MICAL1 is on the minus strand). VCF-style: chr6-109447163-T-C. GRCh37 (hg19) VCF-style: chr6-109768366-T-C.
Other names: c.1879A>G, p.Asn627Asp (NM_001159291.2); c.2194A>G, p.Asn732Asp (NM_001286613.2); short protein forms N627D, N713D, N732D.
Identifiers: ClinVar variation 4697105 (VCV004697105.1).

ClinVar aggregate classification (germline): Uncertain significance (1 of 4 stars; one submission).

gnomAD v4.1: 1 of 1,614,174 alleles (0.000062%); no homozygotes.

Submission:

Labcorp Genetics (formerly Invitae), Labcorp
Classification: Uncertain significance. Last evaluated: 2025-04-30. Review status: criteria provided, single submitter. Criteria: Invitae Variant Classification Sherloc (09022015). Collection method: clinical testing. Allele origin: germline.
Comment: This sequence change replaces asparagine, which is neutral and polar, with aspartic acid, which is acidic and polar, at codon 732 of the MICAL1 protein (p.Asn732Asp). This variant is not present in population databases (gnomAD no frequency). This variant has not been reported in the literature in individuals affected with MICAL1-related conditions. An algorithm developed to predict the effect of missense changes on protein structure and function outputs the following: PolyPhen-2: "Benign". The aspartic acid amino acid residue is found in multiple mammalian species, which suggests that this missense change does not adversely affect protein function. In summary, the available evidence is currently insufficient to determine the role of this variant in disease. Therefore, it has been classified as a Variant of Uncertain Significance.